The following is an entry in ClinVar:

NM_030632.3(ASXL3):c.6469A>G (p.Ile2157Val)

Gene: ASXL3 (ASXL transcriptional regulator 3; plus strand). Cytogenetic location: 18q12.1.
Variant type: single nucleotide variant.
Coding change: c.6469A>G on transcript NM_030632.3 (MANE Select); coding-DNA position 6469, A replaced by G.
Protein change: p.Ile2157Val; replaces isoleucine 2157 with valine.
Molecular consequence: missense variant.
Genome position (GRCh38, 1-based): chr18:33,746,317, A>G. VCF-style: chr18-33746317-A-G. GRCh37 (hg19) VCF-style: chr18-31326281-A-G.
Other names: short protein forms I2157V.
Identifiers: ClinVar variation 2431005 (VCV002431005.1), dbSNP rs2510934951, ClinGen allele CA402196942.
Genomic context (GRCh38, chr18:33,746,317, plus strand): 5'-TTAGCTGCTCAGAAAATGCAGGTGCAGCAACAACAGCAGCTCTGTGGAAATTATCCAACA[A>G]TACACTTTGGTAGCACGAGTTTCAAAAGGGCAGCATCTGCAATTGAAAAGTCCATTGGGA-3'
Protein context (NP_085135.1, residues 2147-2167): QQQLCGNYPT[Ile2157Val]HFGSTSFKRA

ClinVar aggregate classification (germline): Uncertain significance (1 of 4 stars; one submission).

Submission:

GeneDx
Classification: Uncertain significance. Last evaluated: 2022-08-17. Review status: criteria provided, single submitter. Criteria: GeneDx Variant Classification Process June 2021. Collection method: clinical testing. Allele origin: germline. Affected: yes.
Comment: Not observed at significant frequency in large population cohorts (gnomAD); In silico analysis supports that this missense variant does not alter protein structure/function; Has not been previously published as pathogenic or benign to our knowledge